The following is an entry in ClinVar:

ClinVar aggregate classification (germline): Uncertain significance (1 of 4 stars; one submission).

Conditions:
Cardiovascular phenotype. Identifiers: MedGen CN230736.

Submission:

Ambry Genetics
Classification: Uncertain significance for Cardiovascular phenotype. Last evaluated: 2026-08-29. Review status: criteria provided, single submitter. Criteria: Ambry Variant Classification Scheme 2023. Collection method: clinical testing. Allele origin: germline.
Comment: The p.V374L variant (also known as c.1120G>C), located in coding exon 5 of the KCNH2 gene, results from a G to C substitution at nucleotide position 1120. The valine at codon 374 is replaced by leucine, an amino acid with highly similar properties. This amino acid position is conserved. In addition, this alteration is predicted to be deleterious by in silico analysis. Based on the available evidence, the clinical significance of this variant remains unclear.

NM_000238.4(KCNH2):c.1120G>C (p.Val374Leu)

Gene: KCNH2 (potassium voltage-gated channel subfamily H member 2; minus strand). Cytogenetic location: 7q36.1.
Variant type: single nucleotide variant.
Coding change: c.1120G>C on transcript NM_000238.4 (MANE Select); coding-DNA position 1120, G replaced by C.
Protein change: p.Val374Leu; replaces valine 374 with leucine.
Molecular consequence: missense variant. On other transcripts: non-coding transcript variant (1).
Genome position (GRCh38, 1-based): chr7:150,957,299, C>G on the plus strand (G>C on the coding strand, the complement: KCNH2 is on the minus strand). VCF-style: chr7-150957299-C-G. GRCh37 (hg19) VCF-style: chr7-150654387-C-G.
Other names: c.832G>C, p.Val278Leu (NM_001406756.1, NM_001406753.1); c.820G>C, p.Val274Leu (NM_001406757.1); c.1120G>C, p.Val374Leu (NM_172056.3); c.943G>C, p.Val315Leu (NM_001406755.1); short protein forms V278L, V274L, V315L, V374L.
Identifiers: ClinVar variation 5022988 (VCV005022988.1).
Genomic context (GRCh38, chr7:150,957,299, plus strand): 5'-CCTCTCCAAGCTCCTCCAAGGTGAGAGGAGAGCCCGGCCGCTGGGCGCCTACCTGGGTGA[C>G]CTTCTCAGTGACATTGTGGGTTCGCTCCTTTATCTTAGGTGCTATGATCTCACGGTCACT-3'
Protein context (NP_000229.1, residues 364-384): KERTHNVTEK[Val374Leu]TQVLSLGADV